The following is an entry in ClinVar:

NM_001006658.3(CR2):c.202A>G (p.Lys68Glu)

Gene: CR2 (complement C3d receptor 2; plus strand). Cytogenetic location: 1q32.2.
Variant type: single nucleotide variant.
Coding change: c.202A>G on transcript NM_001006658.3 (MANE Select); coding-DNA position 202, A replaced by G.
Protein change: p.Lys68Glu; replaces lysine 68 with glutamic acid.
Molecular consequence: missense variant.
Genome position (GRCh38, 1-based): chr1:207,466,669, A>G. VCF-style: chr1-207466669-A-G. GRCh37 (hg19) VCF-style: chr1-207640014-A-G.
Other names: c.202A>G, p.Lys68Glu (NM_001877.5); short protein forms K68E.
Identifiers: ClinVar variation 1941823 (VCV001941823.3), dbSNP rs771267937, ClinGen allele CA1368385.

ClinVar aggregate classification (germline): Uncertain significance. Review status: criteria provided, multiple submitters, no conflicts (2 of 4 stars). 2 submissions from 2 submitters: Uncertain significance (2). Last evaluated 2024-02-01.

Conditions:
Immunodeficiency, common variable, 7. Identifiers: Orphanet 1572, Orphanet 696894, MedGen C3542922, MONDO:0013862, OMIM 614699.

Allele frequency attached by ClinVar (database versions not stated): ExAC 0.00004; gnomAD exomes 0.00002; TOPMed below 0.00001.
gnomAD v4.1: 23 of 1,614,146 alleles (0.0014%); highest among the groups gnomAD compares: South Asian, 0.021%; no homozygotes.

Submissions (2):

Neuberg Centre For Genomic Medicine, NCGM
Classification: Uncertain significance for Immunodeficiency, common variable, 7. Last evaluated: 2024-02-01. Review status: criteria provided, single submitter. Criteria: ACMG Guidelines, 2015. Collection method: clinical testing. Allele origin: germline. Inheritance: Autosomal recessive inheritance.
Comment: The amino acid Lys at position 68 is changed to a Glu changing protein sequence and it might alter its composition and physicochemical properties

Labcorp Genetics (formerly Invitae), Labcorp
Classification: Uncertain significance for Immunodeficiency, common variable, 7. Last evaluated: 2022-03-20. Review status: criteria provided, single submitter. Criteria: Invitae Variant Classification Sherloc (09022015). Collection method: clinical testing. Allele origin: germline.
Comment: This sequence change replaces lysine, which is basic and polar, with glutamic acid, which is acidic and polar, at codon 68 of the CR2 protein (p.Lys68Glu). This variant is present in population databases (rs771267937, gnomAD 0.02%). This variant has not been reported in the literature in individuals affected with CR2-related conditions. Algorithms developed to predict the effect of missense changes on protein structure and function output the following: SIFT: "Tolerated"; PolyPhen-2: "Benign"; Align-GVGD: "Class C0". The glutamic acid amino acid residue is found in multiple mammalian species, which suggests that this missense change does not adversely affect protein function. In summary, the available evidence is currently insufficient to determine the role of this variant in disease. Therefore, it has been classified as a Variant of Uncertain Significance.